The following is an entry in ClinVar:

NM_000384.3(APOB):c.11082C>T (p.Thr3694=)

Gene: APOB (apolipoprotein B; minus strand). Cytogenetic location: 2p24.1.
Variant type: single nucleotide variant.
Coding change: c.11082C>T on transcript NM_000384.3 (MANE Select); coding-DNA position 11082, C replaced by T.
Protein change: p.Thr3694=; no amino-acid change (threonine 3694 retained).
Molecular consequence: synonymous variant.
Genome position (GRCh38, 1-based): chr2:21,005,786, G>A on the plus strand (C>T on the coding strand, the complement: APOB is on the minus strand). VCF-style: chr2-21005786-G-A. GRCh37 (hg19) VCF-style: chr2-21228658-G-A.
Identifiers: ClinVar variation 3393001 (VCV003393001.1).

ClinVar aggregate classification (germline): Likely benign (1 of 4 stars; one submission).

Conditions:
Familial hypercholesterolemia. Also called: Familial hypercholesterolaemia. Identifiers: MedGen C0020445, MONDO:0005439.

gnomAD v4.1: 2 of 1,613,982 alleles (0.00012%); highest among the groups gnomAD compares: Non-Finnish European, 0.00017%; no homozygotes.

Submission:

GENinCode PLC
Classification: Likely benign for Familial hypercholesterolemia. Last evaluated: 2024-11-29. Review status: criteria provided, single submitter. Criteria: ACMG Guidelines, 2015. Collection method: clinical testing. Allele origin: germline.
Comment: This is a synonymous (silent) variant that is not predicted by SpliceAI to impact splicing. In addition, it occurs at a nucleotide that is not conserved. Therefore this variant has been classified as Likely Benign (BP4, BP7).